The following is an entry in ClinVar:

ClinVar aggregate classification (germline): Uncertain significance (1 of 4 stars; one submission).

Conditions:
Agammaglobulinemia 4, autosomal recessive (AGM4). Also called: B cell linker protein deficiency; AGAMMAGLOBULINEMIA, AUTOSOMAL RECESSIVE, DUE TO BLNK DEFECT. Identifiers: MedGen C3150752, MONDO:0013289, OMIM 613502.

Allele frequency attached by ClinVar (database versions not stated): TOPMed below 0.00001; gnomAD 0.00001.
gnomAD v4.1: 1 of 1,613,960 alleles (0.000062%); highest among the groups gnomAD compares: Admixed American, 0.0017%; no homozygotes.

Submission:

Labcorp Genetics (formerly Invitae), Labcorp
Classification: Uncertain significance for Agammaglobulinemia 4, autosomal recessive. Last evaluated: 2022-01-03. Review status: criteria provided, single submitter. Criteria: Invitae Variant Classification Sherloc (09022015). Collection method: clinical testing. Allele origin: germline.
Comment: In summary, the available evidence is currently insufficient to determine the role of this variant in disease. Therefore, it has been classified as a Variant of Uncertain Significance. Algorithms developed to predict the effect of missense changes on protein structure and function output the following: SIFT: "Deleterious"; PolyPhen-2: "Benign"; Align-GVGD: "Class C15". The leucine amino acid residue is found in multiple mammalian species, which suggests that this missense change does not adversely affect protein function. ClinVar contains an entry for this variant (Variation ID: 640743). This variant has not been reported in the literature in individuals affected with BLNK-related conditions. This variant is not present in population databases (gnomAD no frequency). This sequence change replaces proline, which is neutral and non-polar, with leucine, which is neutral and non-polar, at codon 220 of the BLNK protein (p.Pro220Leu).

NM_013314.4(BLNK):c.659C>T (p.Pro220Leu)

Gene: BLNK (B cell linker; minus strand). Cytogenetic location: 10q24.1.
Variant type: single nucleotide variant.
Coding change: c.659C>T on transcript NM_013314.4 (MANE Select); coding-DNA position 659, C replaced by T.
Protein change: p.Pro220Leu; replaces proline 220 with leucine.
Molecular consequence: missense variant. On other transcripts: non-coding transcript variant (1), intron variant (3).
Genome position (GRCh38, 1-based): chr10:96,215,338, G>A on the plus strand (C>T on the coding strand, the complement: BLNK is on the minus strand). VCF-style: chr10-96215338-G-A. GRCh37 (hg19) VCF-style: chr10-97975094-G-A.
Other names: c.659C>T, p.Pro220Leu (NM_001258440.2); c.350-6C>T (NM_001258442.2); c.607+1315C>T (NM_001258441.2, NM_001114094.2); short protein forms P220L.
Identifiers: ClinVar variation 640743 (VCV000640743.8), dbSNP rs1591316040, ClinGen allele CA377723160.
Genomic context (GRCh38, chr10:96,215,338, plus strand): 5'-TGAAATAGACGTAAAACCAAACCAAATCACACATACACTTTACCTGAAGCTGTTCCTGGA[G>A]GAGAGGCGGGCGTTGAGGAATTTGGCTTGGTTGATCTATTCACCATGGGAGCTTAAACAC-3'
Protein context (NP_037446.1, residues 210-230): TKPNSSTPAS[Pro220Leu]PGTASGRNSG